The following is an entry in ClinVar:

NM_002206.3(ITGA7):c.3239C>T (p.Ala1080Val)

Gene: ITGA7 (integrin subunit alpha 7; minus strand). Cytogenetic location: 12q13.2.
Variant type: single nucleotide variant.
Coding change: c.3239C>T on transcript NM_002206.3 (MANE Select); coding-DNA position 3239, C replaced by T.
Protein change: p.Ala1080Val; replaces alanine 1080 with valine.
Molecular consequence: missense variant.
Genome position (GRCh38, 1-based): chr12:55,685,233, G>A on the plus strand (C>T on the coding strand, the complement: ITGA7 is on the minus strand). VCF-style: chr12-55685233-G-A. GRCh37 (hg19) VCF-style: chr12-56079017-G-A.
Other names: c.3251C>T, p.Ala1084Val (NM_001144996.2); c.2960C>T, p.Ala987Val (NM_001144997.2); c.2912C>T, p.Ala971Val (NM_001367993.1); c.1895C>T, p.Ala632Val (NM_001367994.1); c.3221C>T, p.Ala1074Val (NM_001374465.1); c.3371C>T, p.Ala1124Val (NM_001410977.1); c.3233C>T, p.Ala1078Val (NM_001414029.1); c.3164C>T, p.Ala1055Val (NM_001414030.1); and 6 more; short protein forms A1040V, A1051V, A1124V, A987V, A1074V, A1080V, A632V, A967V.
Identifiers: ClinVar variation 2148322 (VCV002148322.3), dbSNP rs201977360, ClinGen allele CA6615260.

ClinVar aggregate classification (germline): Uncertain significance. Review status: criteria provided, multiple submitters, no conflicts (2 of 4 stars). 2 submissions from 2 submitters: Uncertain significance (2). Last evaluated 2024-01-24.

Conditions:
Congenital muscular dystrophy due to integrin alpha-7 deficiency. Also called: MYOPATHY, CONGENITAL, DUE TO INTEGRIN ALPHA-7 DEFICIENCY; Congenital muscular dystrophy with integrin alpha-7 deficiency; Muscular dystrophy, congenital, due to ITGA7 deficiency. Identifiers: Orphanet 34520, MedGen C2750786, MONDO:0013177, OMIM 613204.

Allele frequency attached by ClinVar (database versions not stated): gnomAD 0.00001; gnomAD exomes 0.00001; TOPMed 0.00001; ExAC 0.00002.
gnomAD v4.1: 12 of 1,614,066 alleles (0.00074%); highest among the groups gnomAD compares: Middle Eastern, 0.049%; 1 homozygote.

Submissions (2):

Ambry Genetics
Classification: Uncertain significance. Last evaluated: 2024-01-24. Review status: criteria provided, single submitter. Criteria: Ambry Variant Classification Scheme 2023. Collection method: clinical testing. Allele origin: germline.

Labcorp Genetics (formerly Invitae), Labcorp
Classification: Uncertain significance for Congenital muscular dystrophy due to integrin alpha-7 deficiency. Last evaluated: 2022-01-05. Review status: criteria provided, single submitter. Criteria: Invitae Variant Classification Sherloc (09022015). Collection method: clinical testing. Allele origin: germline.
Comment: In summary, the available evidence is currently insufficient to determine the role of this variant in disease. Therefore, it has been classified as a Variant of Uncertain Significance. Algorithms developed to predict the effect of missense changes on protein structure and function (SIFT, PolyPhen-2, Align-GVGD) all suggest that this variant is likely to be tolerated. This variant has not been reported in the literature in individuals affected with ITGA7-related conditions. This variant is present in population databases (rs201977360, gnomAD 0.003%). This sequence change replaces alanine, which is neutral and non-polar, with valine, which is neutral and non-polar, at codon 1080 of the ITGA7 protein (p.Ala1080Val).